The following is an entry in ClinVar:

ClinVar aggregate classification (germline): Uncertain significance (1 of 4 stars; one submission).

Submission:

Mayo Clinic Laboratories, Mayo Clinic
Classification: Uncertain significance. Last evaluated: 2024-02-20. Review status: criteria provided, single submitter. Criteria: ACMG Guidelines, 2015. Collection method: clinical testing. Allele origin: germline. Observed: 1 variant allele.
Comment: PP2, PM1_supporting, PM2_moderate

NM_001130004.2(ACTN1):c.1982A>G (p.His661Arg)

Gene: ACTN1 (actinin alpha 1; minus strand). Cytogenetic location: 14q24.1.
Variant type: single nucleotide variant.
Coding change: c.1982A>G on transcript NM_001130004.2 (MANE Select); coding-DNA position 1982, A replaced by G.
Protein change: p.His661Arg; replaces histidine 661 with arginine.
Molecular consequence: missense variant.
Genome position (GRCh38, 1-based): chr14:68,880,961, T>C on the plus strand (A>G on the coding strand, the complement: ACTN1 is on the minus strand). VCF-style: chr14-68880961-T-C. GRCh37 (hg19) VCF-style: chr14-69347678-T-C.
Other names: p.His661Arg; c.1982A>G, p.His661Arg (NM_001102.4, NM_001130005.2, NM_001424012.1 and 2 more transcripts); c.2006A>G, p.His669Arg (NM_001411035.1, NM_001424016.1); c.1787A>G, p.His596Arg (NM_001411036.1, NM_001424026.1, NM_001424028.1); c.2108A>G, p.His703Arg (NM_001424013.1); c.2069A>G, p.His690Arg (NM_001424015.1); c.1979A>G, p.His660Arg (NM_001424017.1); c.1943A>G, p.His648Arg (NM_001424018.1); and 4 more; short protein forms H386R, H596R, H600R, H638R, H640R, H648R, H660R, H661R.
Identifiers: ClinVar variation 3380217 (VCV003380217.1).